The following is an entry in ClinVar:

ClinVar aggregate classification (germline): Uncertain significance. Review status: criteria provided, multiple submitters, no conflicts (2 of 4 stars). 2 submissions from 2 submitters: Uncertain significance (2). Last evaluated 2026-06-30.

Conditions:
STAD syndrome. Also called: SKELETAL DYSPLASIA, TOOTH ANOMALIES, AND DEVELOPMENTAL DELAY SYNDROME; MASSON-PACCAUD-VITOBELLO SYNDROME. Identifiers: MedGen CN380859, MONDO:0980973, OMIM 621495.

gnomAD v4.1: 2 of 1,614,006 alleles (0.00012%); highest among the groups gnomAD compares: Non-Finnish European, 0.00017%; no homozygotes.

Submissions (2):

Victorian Clinical Genetics Services, Murdoch Childrens Research Institute
Classification: Uncertain significance for STAD syndrome. Last evaluated: 2026-06-30. Review status: criteria provided, single submitter. Criteria: ACMG Guidelines, 2015. Collection method: clinical testing. Allele origin: germline. Affected: yes.
Comment: This variant is classified as VUS-3C. Evidence in support of pathogenic classification: Variant is present in gnomAD <0.001 for a dominant condition (v4: 2 heterozygote(s), 0 homozygote(s)). An alternative nucleotide change resulting in the same missense outcome is also present (v4: 1 heterozygote(s), 0 homozygote(s)). Evidence in support of benign classification: Missense variant predicted to be tolerated by in silico tool(s) or not conserved in placental mammals with a minor amino acid change. Additional information: Variant is predicted to result in a missense amino acid change from Phe to Leu; This variant is heterozygous; This gene is associated with autosomal dominant disease; Previous evidence of pathogenicity for this variant is inconclusive. This variant has been classified once as a VUS by a clinical laboratory in ClinVar; No published evidence of segregation with disease has been identified for this variant; No published functional evidence has been identified for this variant; No comparable missense variants have previous evidence for pathogenicity; Variant is located in the annotated nuclear localization signal (PMID: 40965981); The mechanism of disease for this gene is not clearly established. However, gain of function has been suggested (PMID: 40965981); Variants in this gene are known to have variable expressivity (PMID: 40965981); Parental origin of the variant is unresolved.

Ambry Genetics
Classification: Uncertain significance. Last evaluated: 2025-01-29. Review status: criteria provided, single submitter. Criteria: Ambry Variant Classification Scheme 2023. Collection method: clinical testing. Allele origin: germline.

Literature cited by the submitters: PubMed 40965981 (cited by Victorian Clinical Genetics Services, Murdoch Childrens Research Institute).

NM_002819.5(PTBP1):c.141C>G (p.Phe47Leu)

Gene: PTBP1 (polypyrimidine tract binding protein 1; plus strand). Cytogenetic location: 19p13.3.
Variant type: single nucleotide variant.
Coding change: c.141C>G on transcript NM_002819.5 (MANE Select); coding-DNA position 141, C replaced by G.
Protein change: p.Phe47Leu; replaces phenylalanine 47 with leucine.
Molecular consequence: missense variant.
Genome position (GRCh38, 1-based): chr19:804,061, C>G. VCF-style: chr19-804061-C-G. GRCh37 (hg19) VCF-style: chr19-804061-C-G.
Other names: c.147C>G, p.Phe49Leu (NM_001411140.1); c.141C>G, p.Phe47Leu (NM_031990.4, NM_031991.4); short protein forms F49L, F47L.
Identifiers: ClinVar variation 3784539 (VCV003784539.2).